The following is an entry in ClinVar:

NM_001987.5(ETV6):c.511C>A (p.His171Asn)

Gene: ETV6 (ETS variant transcription factor 6; plus strand). Cytogenetic location: 12p13.2.
Variant type: single nucleotide variant.
Coding change: c.511C>A on transcript NM_001987.5 (MANE Select); coding-DNA position 511, C replaced by A.
Protein change: p.His171Asn; replaces histidine 171 with asparagine.
Molecular consequence: missense variant.
Genome position (GRCh38, 1-based): chr12:11,869,471, C>A. VCF-style: chr12-11869471-C-A. GRCh37 (hg19) VCF-style: chr12-12022405-C-A.
Other names: c.511C>A, p.His171Asn (NM_001413917.1, NM_001413916.1); c.508C>A, p.His170Asn (NM_001413913.1); c.484C>A, p.His162Asn (NM_001413914.1); c.247C>A, p.His83Asn (NM_001413915.1); short protein forms H171N, H162N, H170N, H83N.
Identifiers: ClinVar variation 4251439 (VCV004251439.1).

ClinVar aggregate classification (germline): Uncertain significance (1 of 4 stars; one submission).

Conditions:
Inborn genetic diseases. Identifiers: MedGen C0950123, MeSH D030342.

Submission:

Ambry Genetics
Classification: Uncertain significance for Inborn genetic diseases. Last evaluated: 2025-06-28. Review status: criteria provided, single submitter. Criteria: Ambry Variant Classification Scheme 2023. Collection method: clinical testing. Allele origin: germline.
Comment: The p.H171N variant (also known as c.511C>A), located in coding exon 5 of the ETV6 gene, results from a C to A substitution at nucleotide position 511. The histidine at codon 171 is replaced by asparagine, an amino acid with similar properties. This amino acid position is conserved. In addition, this alteration is predicted to be tolerated by in silico analysis. Based on the available evidence, the clinical significance of this variant remains unclear.